The following is an entry in ClinVar:

ClinVar aggregate classification (germline): Likely benign (1 of 4 stars; one submission).

Submission:

Mayo Clinic Laboratories, Mayo Clinic
Classification: Likely benign. Last evaluated: 2025-06-10. Review status: criteria provided, single submitter. Criteria: ACMG Guidelines, 2015. Collection method: clinical testing. Allele origin: germline. Observed: 1 variant allele.
Comment: BP4, BP7, PM2_supporting

NM_005720.4(ARPC1B):c.717T>A (p.Thr239=)

Gene: ARPC1B (actin related protein 2/3 complex subunit 1B; plus strand). Cytogenetic location: 7q22.1.
Variant type: single nucleotide variant.
Coding change: c.717T>A on transcript NM_005720.4 (MANE Select); coding-DNA position 717, T replaced by A.
Protein change: p.Thr239=; no amino-acid change (threonine 239 retained).
Molecular consequence: synonymous variant.
Genome position (GRCh38, 1-based): chr7:99,391,187, T>A. VCF-style: chr7-99391187-T-A. GRCh37 (hg19) VCF-style: chr7-98988810-T-A.
Other names: p.Thr239=.
Identifiers: ClinVar variation 4683299 (VCV004683299.1).